The following is an entry in ClinVar:

NM_000525.4(KCNJ11):c.124T>C (p.Cys42Arg)

Gene: KCNJ11 (potassium inwardly rectifying channel subfamily J member 11; minus strand). Cytogenetic location: 11p15.1.
Variant type: single nucleotide variant.
Coding change: c.124T>C on transcript NM_000525.4 (MANE Select); coding-DNA position 124, T replaced by C.
Protein change: p.Cys42Arg; replaces cysteine 42 with arginine.
Molecular consequence: missense variant. On other transcripts: intron variant (3).
Genome position (GRCh38, 1-based): chr11:17,387,968, A>G on the plus strand (T>C on the coding strand, the complement: KCNJ11 is on the minus strand). VCF-style: chr11-17387968-A-G. GRCh37 (hg19) VCF-style: chr11-17409515-A-G.
Other names: c.-16-122T>C (NM_001166290.2, NM_001377297.1); c.-17+50T>C (NM_001377296.1); short protein forms C42R.
Identifiers: ClinVar variation 8676 (VCV000008676.11), dbSNP rs80356610, ClinGen allele CA119829.

ClinVar aggregate classification (germline): Conflicting classifications of pathogenicity. Review status: criteria provided, conflicting classifications (1 of 4 stars). 5 submissions from 4 submitters: Pathogenic (1); Uncertain significance (1). 3 of the submissions do not count toward it. Last evaluated 2021-03-12.

Conditions:
Maturity-onset diabetes of the young type 13. Also called: MODY, TYPE 13. Identifiers: Orphanet 552, MedGen C4225365, MONDO:0014589, OMIM 616329.
Maturity-onset diabetes of the young (MODY). Also called: Maturity onset diabetes mellitus in young. Identifiers: Orphanet 552, MedGen C0342276, MONDO:0018911, HP:0004904.
Diabetes mellitus, transient neonatal, 3 (TNDM3). Identifiers: Orphanet 99886, MedGen C1864623, MONDO:0012522, OMIM 610582. Disease mechanism: loss of function.
Permanent neonatal diabetes mellitus (PNDM). Identifiers: Orphanet 99885, MedGen C1833104, MONDO:0100164, MONDO:0011643. Disease mechanism: gain of function.

Submissions (5):

Labcorp Genetics (formerly Invitae), Labcorp
Classification: Pathogenic. Last evaluated: 2021-03-12. Review status: criteria provided, single submitter. Criteria: Invitae Variant Classification Sherloc (09022015). Collection method: clinical testing. Allele origin: germline.
Comment: For these reasons, this variant has been classified as Pathogenic. Experimental studies have shown that this variant affects KCNJ11 protein function (PMID: 15784703). This variant has been observed in individual(s) with neonatal diabetes (PMID: 22831748, 15784703, Invitae). In at least one individual the variant was observed to be de novo. ClinVar contains an entry for this variant (Variation ID: 8676). This variant is not present in population databases (ExAC no frequency). This sequence change replaces cysteine with arginine at codon 42 of the KCNJ11 protein (p.Cys42Arg). The cysteine residue is highly conserved and there is a large physicochemical difference between cysteine and arginine.

Clinical Genomics, Uppaluri K&H Personalized Medicine Clinic
Classification: Uncertain significance for Maturity-onset diabetes of the young. Review status: criteria provided, single submitter. Criteria: K&H Uppaluri Personalized Medicine Clinic Variant Classification & Assertion Criteria. Collection method: research. Allele origin: somatic. Inheritance: Autosomal dominant inheritance.
Comment: Mutations in KCNJ11 gene can cause decreased production and secretion of insulin. This can lead to MODY which may be responsive to oral sulfonylureas. It is also associated with Neonatal Diabetes. However, no sufficient evidence is found to ascertain the role of rs80356610 variant in MODY yet.

OMIM
Classification: Pathogenic for DIABETES MELLITUS, TRANSIENT NEONATAL, 3. Last evaluated: 2005-06-01. Review status: no assertion criteria provided. Collection method: literature only. Allele origin: germline. Not counted in ClinVar's aggregate classification.

OMIM
Classification: Pathogenic for MATURITY-ONSET DIABETES OF THE YOUNG, TYPE 13. Last evaluated: 2005-06-01. Review status: no assertion criteria provided. Collection method: literature only. Allele origin: germline. Not counted in ClinVar's aggregate classification.

GeneReviews
No classification provided. Condition: Permanent neonatal diabetes mellitus. Review status: no classification provided. Collection method: literature only. Allele origin: unknown. Not counted in ClinVar's aggregate classification.

Literature cited by the submitters: PubMed 15784703 (cited by 3 submitters); PubMed 22831748 (cited by Labcorp Genetics (formerly Invitae), Labcorp); PubMed 26448950 (cited by Clinical Genomics, Uppaluri K&H Personalized Medicine Clinic); PubMed 15580558 (cited by Clinical Genomics, Uppaluri K&H Personalized Medicine Clinic); PubMed 15718250 (cited by Clinical Genomics, Uppaluri K&H Personalized Medicine Clinic); PubMed 32935446 (cited by Clinical Genomics, Uppaluri K&H Personalized Medicine Clinic); PubMed 22701567 (cited by Clinical Genomics, Uppaluri K&H Personalized Medicine Clinic); PubMed 20301620 (cited by GeneReviews); NCBI Bookshelf NBK1447 (cited by GeneReviews).